The following is an entry in ClinVar:

NM_001256789.3(CACNA1F):c.1369+5G>C

Gene: CACNA1F (calcium voltage-gated channel subunit alpha1 F; minus strand). Cytogenetic location: Xp11.23.
Variant type: single nucleotide variant.
Coding change: c.1369+5G>C on transcript NM_001256789.3 (MANE Select); 5 bases into the intron after coding-DNA position 1369, G replaced by C.
Molecular consequence: intron variant.
Genome position (GRCh38, 1-based): chrX:49,226,605, C>G on the plus strand (G>C on the coding strand, the complement: CACNA1F is on the minus strand). VCF-style: chrX-49226605-C-G. GRCh37 (hg19) VCF-style: chrX-49083067-C-G.
Other names: c.1402+5G>C (NM_005183.4); c.1207+5G>C (NM_001256790.3).
Identifiers: ClinVar variation 1470943 (VCV001470943.6), dbSNP rs1557110010, ClinGen allele CA641903213.

ClinVar aggregate classification (germline): Uncertain significance (1 of 4 stars; one submission).

Allele frequency attached by ClinVar (database versions not stated): gnomAD exomes below 0.00001 and 0.00002; gnomAD 0.00001.
gnomAD v4.1: 6 of 1,172,111 alleles (0.00051%); highest among the groups gnomAD compares: Non-Finnish European, 0.00069%; no homozygotes.

Submission:

Labcorp Genetics (formerly Invitae), Labcorp
Classification: Uncertain significance. Last evaluated: 2022-08-10. Review status: criteria provided, single submitter. Criteria: Invitae Variant Classification Sherloc (09022015). Collection method: clinical testing. Allele origin: germline.
Comment: ClinVar contains an entry for this variant (Variation ID: 1470943). In summary, the available evidence is currently insufficient to determine the role of this variant in disease. Therefore, it has been classified as a Variant of Uncertain Significance. Variants that disrupt the consensus splice site are a relatively common cause of aberrant splicing (PMID: 17576681, 9536098). Algorithms developed to predict the effect of sequence changes on RNA splicing suggest that this variant may disrupt the consensus splice site. This variant has not been reported in the literature in individuals affected with CACNA1F-related conditions. This variant is present in population databases (no rsID available, gnomAD 0.004%). This sequence change falls in intron 10 of the CACNA1F gene. It does not directly change the encoded amino acid sequence of the CACNA1F protein. It affects a nucleotide within the consensus splice site.

Literature cited by the submitters: PubMed 17576681; PubMed 9536098.